The following is an entry in ClinVar:

ClinVar aggregate classification (germline): Uncertain significance (1 of 4 stars; one submission).

Conditions:
Peroxisome biogenesis disorder 3A (Zellweger). Also called: Peroxisome biogenesis disorder 3A; PEROXISOMAL BIOGENESIS DISORDER 3A (ZELLWEGER). Identifiers: Orphanet 912, MedGen C3553929, MONDO:0013927, OMIM 614859.

Submission:

Labcorp Genetics (formerly Invitae), Labcorp
Classification: Uncertain significance for Peroxisome biogenesis disorder 3A (Zellweger). Last evaluated: 2022-06-17. Review status: criteria provided, single submitter. Criteria: Invitae Variant Classification Sherloc (09022015). Collection method: clinical testing. Allele origin: germline.
Comment: In summary, the available evidence is currently insufficient to determine the role of this variant in disease. Therefore, it has been classified as a Variant of Uncertain Significance. Algorithms developed to predict the effect of missense changes on protein structure and function are either unavailable or do not agree on the potential impact of this missense change (SIFT: "Deleterious"; PolyPhen-2: "Probably Damaging"; Align-GVGD: "Class C0"). This variant has not been reported in the literature in individuals affected with PEX12-related conditions. This variant is not present in population databases (gnomAD no frequency). This sequence change replaces valine, which is neutral and non-polar, with phenylalanine, which is neutral and non-polar, at codon 121 of the PEX12 protein (p.Val121Phe).

NM_000286.3(PEX12):c.361G>T (p.Val121Phe)

Gene: PEX12 (peroxisomal biogenesis factor 12; minus strand). Cytogenetic location: 17q12.
Variant type: single nucleotide variant.
Coding change: c.361G>T on transcript NM_000286.3 (MANE Select); coding-DNA position 361, G replaced by T.
Protein change: p.Val121Phe; replaces valine 121 with phenylalanine.
Molecular consequence: missense variant.
Genome position (GRCh38, 1-based): chr17:35,577,357, C>A on the plus strand (G>T on the coding strand, the complement: PEX12 is on the minus strand). VCF-style: chr17-35577357-C-A. GRCh37 (hg19) VCF-style: chr17-33904376-C-A.
Other names: short protein forms V121F.
Identifiers: ClinVar variation 2184538 (VCV002184538.4), dbSNP rs1352894174, ClinGen allele CA399138294.